The following is an entry in ClinVar:

NM_000404.4(GLB1):c.1347+10G>A

Gene: GLB1 (galactosidase beta 1; minus strand). Cytogenetic location: 3p22.3.
Variant type: single nucleotide variant.
Coding change: c.1347+10G>A on transcript NM_000404.4 (MANE Select); 10 bases into the intron after coding-DNA position 1347, G replaced by A.
Molecular consequence: intron variant.
Genome position (GRCh38, 1-based): chr3:33,018,438, C>T on the plus strand (G>A on the coding strand, the complement: GLB1 is on the minus strand). VCF-style: chr3-33018438-C-T. GRCh37 (hg19) VCF-style: chr3-33059930-C-T.
Other names: c.1347+10G>A (NM_000404.3, NM_001393580.1); c.954+10G>A (NM_001135602.3); c.1491+10G>A (NM_001317040.2); c.1257+10G>A (NM_001079811.3).
Identifiers: ClinVar variation 344789 (VCV000344789.17), dbSNP rs199538100, ClinGen allele CA2299419.

ClinVar aggregate classification (germline): Conflicting classifications of pathogenicity. Review status: criteria provided, conflicting classifications (1 of 4 stars). 5 submissions from 4 submitters: Uncertain significance (2); Likely benign (2). 1 of the submissions does not count toward it. Last evaluated 2026-01-26.

Conditions:
GM1 gangliosidosis. Identifiers: Orphanet 354, MedGen C0085131, MONDO:0018149.
Mucopolysaccharidosis, MPS-IV-B (MPS4B). Also called: MORQUIO SYNDROME B; Mucopolysaccharidosis type 4B; Mucopolysaccharidosis Type IVB; Mucopolysaccharidosis Type IVB (Morquio B Disease); Mucopolysaccharidosis type IVB (Morquio); MPS IVB. Identifiers: Orphanet 309310, Orphanet 582, MedGen C0086652, MONDO:0009660, OMIM 253010.
GLB1-related disorder. Also called: GLB1-related disorders. Identifiers: MedGen CN377807.

Allele frequency attached by ClinVar (database versions not stated): ESP Exome Variant Server 0.00016; 1000 Genomes Project 0.00020; TOPMed 0.00024; gnomAD 0.00028 and 0.00030; 1000 Genomes Project 30x 0.00031; gnomAD exomes 0.00037 and 0.00042; ExAC 0.00048.
gnomAD v4.1: 592 of 1,613,560 alleles (0.037%); highest among the groups gnomAD compares: South Asian, 0.13%; 1 homozygote.

Submissions (5):

Labcorp Genetics (formerly Invitae), Labcorp
Classification: Likely benign for Mucopolysaccharidosis, MPS-IV-B; GM1 gangliosidosis. Last evaluated: 2026-01-26. Review status: criteria provided, single submitter. Criteria: Invitae Variant Classification Sherloc (09022015). Collection method: clinical testing. Allele origin: germline.

Blueprint Genetics
Classification: Likely benign. Last evaluated: 2024-09-27. Review status: criteria provided, single submitter. Criteria: ACMG Guidelines, 2015. Collection method: clinical testing. Allele origin: germline.

Illumina Laboratory Services, Illumina
Classification: Uncertain significance for Mucopolysaccharidosis, MPS-IV-B. Last evaluated: 2018-01-12. Review status: criteria provided, single submitter. Criteria: ICSL Variant Classification Criteria 13 December 2019. Collection method: clinical testing. Allele origin: germline.

Illumina Laboratory Services, Illumina
Classification: Uncertain significance for GM1 gangliosidosis. Last evaluated: 2018-01-12. Review status: criteria provided, single submitter. Criteria: ICSL Variant Classification Criteria 13 December 2019. Collection method: clinical testing. Allele origin: germline.

PreventionGenetics, part of Exact Sciences
Classification: Likely benign for GLB1-related condition. Last evaluated: 2019-06-20. Review status: no assertion criteria provided. Collection method: clinical testing. Allele origin: germline. Not counted in ClinVar's aggregate classification.
Comment: This variant is classified as likely benign based on ACMG/AMP sequence variant interpretation guidelines (Richards et al. 2015 PMID: 25741868, with internal and published modifications).